The following is an entry in ClinVar:

ClinVar aggregate classification (germline): Uncertain significance. Review status: criteria provided, multiple submitters, no conflicts (2 of 4 stars). 4 submissions from 4 submitters: Uncertain significance (4). Last evaluated 2025-07-30.

Conditions:
Hereditary cancer-predisposing syndrome. Also called: Neoplastic Syndromes, Hereditary; Hereditary Cancer Syndrome; Hereditary neoplastic syndrome; Tumor predisposition. Identifiers: Orphanet 140162, MedGen C0027672, MeSH D009386, MONDO:0015356.
Neuroblastoma, susceptibility to, 3. Also called: ALK-Related Neuroblastic Tumor Susceptibility. Identifiers: Orphanet 635, MedGen C2751681, MONDO:0013083, OMIM 613014.

Allele frequency attached by ClinVar (database versions not stated): TOPMed 0.00001.
gnomAD v4.1: 13 of 1,614,204 alleles (0.00081%); highest among the groups gnomAD compares: Non-Finnish European, 0.00093%; no homozygotes.

Submissions (4):

Labcorp Genetics (formerly Invitae), Labcorp
Classification: Uncertain significance for Neuroblastoma, susceptibility to, 3. Last evaluated: 2025-07-30. Review status: criteria provided, single submitter. Criteria: Invitae Variant Classification Sherloc (09022015). Collection method: clinical testing. Allele origin: germline.
Comment: This sequence change replaces aspartic acid, which is acidic and polar, with glycine, which is neutral and non-polar, at codon 993 of the ALK protein (p.Asp993Gly). This variant is not present in population databases (gnomAD no frequency). This variant has not been reported in the literature in individuals affected with ALK-related conditions. ClinVar contains an entry for this variant (Variation ID: 847831). An algorithm developed to predict the effect of missense changes on protein structure and function (PolyPhen-2) suggests that this variant is likely to be disruptive. In summary, the available evidence is currently insufficient to determine the role of this variant in disease. Therefore, it has been classified as a Variant of Uncertain Significance.

Ambry Genetics
Classification: Uncertain significance for Hereditary cancer-predisposing syndrome. Last evaluated: 2024-03-18. Review status: criteria provided, single submitter. Criteria: Ambry Variant Classification Scheme 2023. Collection method: clinical testing. Allele origin: germline.
Comment: The p.D993G variant (also known as c.2978A>G), located in coding exon 18 of the ALK gene, results from an A to G substitution at nucleotide position 2978. The aspartic acid at codon 993 is replaced by glycine, an amino acid with similar properties. This amino acid position is conserved. In addition, the in silico prediction for this alteration is inconclusive. Since supporting evidence is limited at this time, the clinical significance of this alteration remains unclear.

GeneDx
Classification: Uncertain significance. Last evaluated: 2024-01-17. Review status: criteria provided, single submitter. Criteria: GeneDx Variant Classification Process June 2021. Collection method: clinical testing. Allele origin: germline. Affected: yes.
Comment: Not observed at significant frequency in large population cohorts (gnomAD); In silico analysis supports that this missense variant has a deleterious effect on protein structure/function; Has not been previously published as pathogenic or benign to our knowledge

Baylor Genetics
Classification: Uncertain significance for Neuroblastoma, susceptibility to, 3. Last evaluated: 2023-10-09. Review status: criteria provided, single submitter. Criteria: ACMG Guidelines, 2015. Collection method: clinical testing. Allele origin: unknown.

NM_004304.5(ALK):c.2978A>G (p.Asp993Gly)

Gene: ALK (ALK receptor tyrosine kinase; minus strand). Cytogenetic location: 2p23.2.
Variant type: single nucleotide variant.
Coding change: c.2978A>G on transcript NM_004304.5 (MANE Select); coding-DNA position 2978, A replaced by G.
Protein change: p.Asp993Gly; replaces aspartic acid 993 with glycine.
Molecular consequence: missense variant.
Genome position (GRCh38, 1-based): chr2:29,227,011, T>C on the plus strand (A>G on the coding strand, the complement: ALK is on the minus strand). VCF-style: chr2-29227011-T-C. GRCh37 (hg19) VCF-style: chr2-29449877-T-C.
Other names: short protein forms D993G.
Identifiers: ClinVar variation 847831 (VCV000847831.13), dbSNP rs1451931405, ClinGen allele CA346467767.
Genomic context (GRCh38, chr2:29,227,011, plus strand): 5'-ACCGTCCCGTGGTCACAGAAGCAGATGACCTTGTGGCTTTCAGGGTCCATGTGACATTCG[T>C]CTACCTCACAGTGACTGCAGTTTAGATAATGCTTAATATTCACTTCCCCGTGGCCTTCCA-3'
Protein context (NP_004295.2, residues 983-1003): HYLNCSHCEV[Asp993Gly]ECHMDPESHK